The following is an entry in ClinVar:

ClinVar aggregate classification (germline): Benign (1 of 4 stars; one submission).

Conditions:
Frank-Ter Haar syndrome. Also called: TER HAAR SYNDROME; MELNICK-NEEDLES SYNDROME, AUTOSOMAL RECESSIVE; BORRONE DERMATOCARDIOSKELETAL SYNDROME; Borrone di Rocco Crovato syndrome. Identifiers: Orphanet 1266, Orphanet 137834, MedGen C1855305, MONDO:0009579, OMIM 249420.

Allele frequency attached by ClinVar (database versions not stated): gnomAD exomes 0.00089; 1000 Genomes Project 0.00759; 1000 Genomes Project 30x 0.00828; gnomAD 0.00935 and 0.01004; TOPMed 0.01030.
gnomAD v4.1: 2,432 of 1,231,266 alleles (0.2%); highest among the groups gnomAD compares: African/African-American, 3.1%; 35 homozygotes.

Submission:

Illumina Laboratory Services, Illumina
Classification: Benign for Frank-Ter Haar syndrome. Last evaluated: 2017-04-27. Review status: criteria provided, single submitter. Criteria: ICSL Variant Classification Criteria 13 December 2019. Collection method: clinical testing. Allele origin: germline.
Comment: This variant was observed as part of a predisposition screen in an ostensibly healthy population. A literature search was performed for the gene, cDNA change, and amino acid change (where applicable). No publications were found based on this search. Allele frequency data from public databases was too high to be consistent with this variant causing disease. Therefore, this variant is classified as benign.

NM_001017995.3(SH3PXD2B):c.*2888G>C

Gene: SH3PXD2B (SH3 and PX domains 2B; minus strand). Cytogenetic location: 5q35.1.
Variant type: single nucleotide variant.
Coding change: c.*2888G>C on transcript NM_001017995.3 (MANE Select); 2888 bases downstream of the stop codon, G replaced by C.
Molecular consequence: 3 prime UTR variant. On other transcripts: intron variant (1).
Genome position (GRCh38, 1-based): chr5:172,335,481, C>G on the plus strand (G>C on the coding strand, the complement: SH3PXD2B is on the minus strand). VCF-style: chr5-172335481-C-G. GRCh37 (hg19) VCF-style: chr5-171762485-C-G.
Other names: c.1189-10101G>C (NM_001308175.2).
Identifiers: ClinVar variation 903700 (VCV000903700.4), dbSNP rs112169605, ClinGen allele CA132179969.